The following is an entry in ClinVar:

NM_000090.4(COL3A1):c.1189G>T (p.Glu397Ter)

Gene: COL3A1 (collagen type III alpha 1 chain; plus strand). Cytogenetic location: 2q32.2.
Variant type: single nucleotide variant.
Coding change: c.1189G>T on transcript NM_000090.4 (MANE Select); coding-DNA position 1189, G replaced by T.
Protein change: p.Glu397Ter; replaces glutamic acid 397 with a stop codon.
Molecular consequence: nonsense.
Genome position (GRCh38, 1-based): chr2:188,994,077, G>T. VCF-style: chr2-188994077-G-T. GRCh37 (hg19) VCF-style: chr2-189858803-G-T.
Other names: short protein forms E397*.
Identifiers: ClinVar variation 976447 (VCV000976447.1), dbSNP rs187907868, ClinGen allele CA349851260.
Genomic context (GRCh38, chr2:188,994,077, plus strand): 5'-ATCTGTTTTTTGTATACTTAGGGCCCTCCTGGGATTAATGGTAGTCCTGGTGGTAAAGGC[G>T]AAATGGTAAGCTGTCCCCACTCCTCAGCCTTATCTCATCCACACATTACTGGCTTCTTTT-3'

ClinVar aggregate classification (germline): Likely pathogenic (0 of 4 stars; one submission).

Conditions:
Ehlers-Danlos syndrome, type 4 (EDSVASC). Also called: Ehlers-Danlos syndrome vascular type; Ehlers Danlos syndrome, ecchymotic type; Ehlers Danlos syndrome, arterial type; Ehlers Danlos syndrome, Sack-Barabas type; Ehlers-Danlos Syndrome Type IV. Identifiers: Orphanet 286, MedGen C0268338, MONDO:0017314, OMIM 130050.

Submission:

Clinical Genomics Laboratory, Stanford Medicine
Classification: Likely pathogenic for Ehlers-Danlos syndrome, type 4. Last evaluated: 2019-08-06. Review status: no assertion criteria provided. Collection method: clinical testing. Allele origin: germline. Inheritance: Autosomal dominant inheritance. Affected: yes.
Comment: The p.Glu397* variant in the COL3A1 gene has not been previously reported in association with disease. This variant was absent from large population databases, including the Genome Aggregation Database. The p.Glu397* variant leads to a premature stop codon in exon 17 of 51 coding exons, and is therefore predicted to undergo nonsense-mediated decay resulting in a truncated or absent protein. Heterozygous loss of function is an established mechanism of disease for the COL3A1 gene. These data were assessed using the ACMG/AMP variant interpretation guidelines. In summary, there is sufficient evidence to classify the p.Glu397* variant as likely pathogenic for vascular Ehlers-Danlos syndrome in an autosomal dominant manner based on the information above. [ACMG evidence codes used: PVS1; PM2]